The following is an entry in ClinVar:

ClinVar aggregate classification (germline): Uncertain significance. Review status: criteria provided, multiple submitters, no conflicts (2 of 4 stars). 2 submissions from 2 submitters: Uncertain significance (2). Last evaluated 2025-12-04.

Conditions:
Inborn genetic diseases. Identifiers: MedGen C0950123, MeSH D030342.

Allele frequency attached by ClinVar (database versions not stated): gnomAD exomes below 0.00001; ExAC 0.00001; gnomAD 0.00001; TOPMed 0.00001.
gnomAD v4.1: 7 of 1,614,114 alleles (0.00043%); highest among the groups gnomAD compares: Non-Finnish European, 0.00059%; no homozygotes.

Submissions (2):

Ambry Genetics
Classification: Uncertain significance for Inborn genetic diseases. Last evaluated: 2025-12-04. Review status: criteria provided, single submitter. Criteria: Ambry Variant Classification Scheme 2023. Collection method: clinical testing. Allele origin: germline.

Labcorp Genetics (formerly Invitae), Labcorp
Classification: Uncertain significance. Last evaluated: 2023-08-10. Review status: criteria provided, single submitter. Criteria: Invitae Variant Classification Sherloc (09022015). Collection method: clinical testing. Allele origin: germline.
Comment: This variant is present in population databases (rs750002918, gnomAD 0.002%). In summary, the available evidence is currently insufficient to determine the role of this variant in disease. Therefore, it has been classified as a Variant of Uncertain Significance. An algorithm developed to predict the effect of missense changes on protein structure and function (PolyPhen-2) suggests that this variant is likely to be tolerated. ClinVar contains an entry for this variant (Variation ID: 1517020). This variant has not been reported in the literature in individuals affected with AGBL5-related conditions. This sequence change replaces histidine, which is basic and polar, with proline, which is neutral and non-polar, at codon 384 of the AGBL5 protein (p.His384Pro).

NM_021831.6(AGBL5):c.1151A>C (p.His384Pro)

Gene: AGBL5 (AGBL carboxypeptidase 5; plus strand). Cytogenetic location: 2p23.3.
Variant type: single nucleotide variant.
Coding change: c.1151A>C on transcript NM_021831.6 (MANE Select); coding-DNA position 1151, A replaced by C.
Protein change: p.His384Pro; replaces histidine 384 with proline.
Molecular consequence: missense variant. On other transcripts: non-coding transcript variant (2).
Genome position (GRCh38, 1-based): chr2:27,055,924, A>C. VCF-style: chr2-27055924-A-C. GRCh37 (hg19) VCF-style: chr2-27278792-A-C.
Other names: c.1151A>C (NM_021831.5); c.1151A>C, p.His384Pro (NM_001035507.3); short protein forms H384P.
Identifiers: ClinVar variation 1517020 (VCV001517020.7), dbSNP rs750002918, ClinGen allele CA1567801.
Genomic context (GRCh38, chr2:27,055,924, plus strand): 5'-ACCTGGAGAAAGCCAACAATCTCCAAAATGAAGCTCAGTGTGGGCACTCAGCTGACAGGC[A>C]TAACGCTGAAGCCTGGAAACAAACAGAGCCAGCAGAACAGAAGCTCAACAGTGTGTGGAT-3'
Protein context (NP_068603.4, residues 374-394): EAQCGHSADR[His384Pro]NAEAWKQTEP